The following is an entry in ClinVar:

ClinVar aggregate classification (germline): Uncertain significance (1 of 4 stars; one submission).

Conditions:
Hereditary cancer-predisposing syndrome. Also called: Tumor predisposition; Hereditary neoplastic syndrome; Hereditary Cancer Syndrome; Neoplastic Syndromes, Hereditary. Identifiers: Orphanet 140162, MedGen C0027672, MeSH D009386, MONDO:0015356.

Submission:

Color Diagnostics, LLC DBA Color Health
Classification: Uncertain significance for Hereditary cancer-predisposing syndrome. Last evaluated: 2024-03-06. Review status: criteria provided, single submitter. Criteria: ACMG Guidelines, 2015. Collection method: clinical testing. Allele origin: germline.
Comment: This missense variant replaces isoleucine with threonine at codon 1035 of the ATM protein. Computational prediction suggests that this variant may not impact protein structure and function (internally defined REVEL score threshold <= 0.5, PMID: 27666373). To our knowledge, functional studies have not been reported for this variant. This variant has not been reported in individuals affected with hereditary cancer in the literature. This variant has not been identified in the general population by the Genome Aggregation Database (gnomAD). The available evidence is insufficient to determine the role of this variant in disease conclusively. Therefore, this variant is classified as a Variant of Uncertain Significance.

NM_000051.4(ATM):c.3104T>C (p.Ile1035Thr)

Gene: ATM (ATM serine/threonine kinase; plus strand). Cytogenetic location: 11q22.3.
Variant type: single nucleotide variant.
Coding change: c.3104T>C on transcript NM_000051.4 (MANE Select); coding-DNA position 3104, T replaced by C.
Protein change: p.Ile1035Thr; replaces isoleucine 1035 with threonine.
Molecular consequence: missense variant.
Genome position (GRCh38, 1-based): chr11:108,272,558, T>C. VCF-style: chr11-108272558-T-C. GRCh37 (hg19) VCF-style: chr11-108143285-T-C.
Other names: c.3104T>C, p.Ile1035Thr (NM_001351834.2); short protein forms I1035T.
Identifiers: ClinVar variation 1171059 (VCV001171059.3), dbSNP rs2135565634, ClinGen allele CA382515128.